The following is an entry in ClinVar:

ClinVar aggregate classification (germline): Uncertain significance (1 of 4 stars; one submission).

Submission:

Labcorp Genetics (formerly Invitae), Labcorp
Classification: Uncertain significance. Last evaluated: 2022-11-29. Review status: criteria provided, single submitter. Criteria: Invitae Variant Classification Sherloc (09022015). Collection method: clinical testing. Allele origin: germline.
Comment: This variant, c.1257_1259del, results in the deletion of 1 amino acid(s) of the CHM protein (p.Ile420del), but otherwise preserves the integrity of the reading frame. This variant is not present in population databases (gnomAD no frequency). This variant has not been reported in the literature in individuals affected with CHM-related conditions. Experimental studies and prediction algorithms are not available or were not evaluated, and the functional significance of this variant is currently unknown. In summary, the available evidence is currently insufficient to determine the role of this variant in disease. Therefore, it has been classified as a Variant of Uncertain Significance.

NM_000390.4(CHM):c.1257_1259del (p.Ile420del)

Gene: CHM (CHM Rab escort protein; minus strand). Cytogenetic location: Xq21.2.
Variant type: Deletion.
Coding change: c.1257_1259del on transcript NM_000390.4 (MANE Select); coding-DNA positions 1257 to 1259, 3 bases deleted (TAT; older notation c.1257_1259delTAT).
Protein change: p.Ile420del; deletes isoleucine 420.
Molecular consequence: inframe deletion.
Genome position (GRCh38, 1-based): chrX:85,901,174-85,901,176, ATA deleted on the plus strand (TAT on the coding strand, the reverse complement: CHM is on the minus strand); deleting any 3 consecutive bases within chrX:85,901,174-85,901,178 gives the same sequence; the c. name uses the placement nearest the transcript's 3' end. VCF-style (leftmost placement, unchanged base first): chrX-85901173-TATA-T. GRCh37 (hg19) VCF-style: chrX-85156178-TATA-T.
Other names: c.813_815del, p.Ile272del (NM_001320959.1, NM_001362517.1, NM_001362518.2 and 1 more transcripts); short protein forms I272del, I420del.
Identifiers: ClinVar variation 2815925 (VCV002815925.3), dbSNP rs2520098399, ClinGen allele CA2739273617.